The following is an entry in ClinVar:

ClinVar aggregate classification (germline): Uncertain significance. Review status: criteria provided, multiple submitters, no conflicts (2 of 4 stars). 3 submissions from 3 submitters: Uncertain significance (3). Last evaluated 2025-09-18.

Conditions:
Dyskeratosis congenita, autosomal dominant 2. Identifiers: MedGen C3151443, MONDO:0013521, OMIM 613989.
Idiopathic Pulmonary Fibrosis. Also called: Idiopathic fibrosing alveolitis, chronic form; idiopathic fibrosing alveolitis. Identifiers: Orphanet 2032, MedGen C1800706, MeSH D054990, MONDO:0800504.
Dyskeratosis congenita. Identifiers: Orphanet 1775, MedGen C0265965, MONDO:0015780.

Allele frequency attached by ClinVar (database versions not stated): TOPMed 0.00002; ExAC 0.00003; gnomAD 0.00003.
gnomAD v4.1: 6 of 1,612,742 alleles (0.00037%); highest among the groups gnomAD compares: Non-Finnish European, 0.00042%; no homozygotes.

Submissions (3):

Ambry Genetics
Classification: Uncertain significance for Dyskeratosis congenita. Last evaluated: 2025-09-18. Review status: criteria provided, single submitter. Criteria: Ambry Variant Classification Scheme 2023. Collection method: clinical testing. Allele origin: germline.
Comment: The p.P785R variant (also known as c.2354C>G), located in coding exon 7 of the TERT gene, results from a C to G substitution at nucleotide position 2354. The proline at codon 785 is replaced by arginine, an amino acid with dissimilar properties. This amino acid position is conserved. In addition, this alteration is predicted to be tolerated by in silico analysis. Based on the available evidence, the clinical significance of this variant remains unclear.

Labcorp Genetics (formerly Invitae), Labcorp
Classification: Uncertain significance for Dyskeratosis congenita, autosomal dominant 2; Idiopathic Pulmonary Fibrosis. Last evaluated: 2024-10-16. Review status: criteria provided, single submitter. Criteria: Invitae Variant Classification Sherloc (09022015). Collection method: clinical testing. Allele origin: germline.
Comment: This sequence change replaces proline, which is neutral and non-polar, with arginine, which is basic and polar, at codon 785 of the TERT protein (p.Pro785Arg). This variant is present in population databases (rs483352771, gnomAD 0.004%). This variant has not been reported in the literature in individuals affected with TERT-related conditions. ClinVar contains an entry for this variant (Variation ID: 581831). Invitae Evidence Modeling of protein sequence and biophysical properties (such as structural, functional, and spatial information, amino acid conservation, physicochemical variation, residue mobility, and thermodynamic stability) indicates that this missense variant is not expected to disrupt TERT protein function with a negative predictive value of 95%. In summary, the available evidence is currently insufficient to determine the role of this variant in disease. Therefore, it has been classified as a Variant of Uncertain Significance.

GeneDx
Classification: Uncertain significance. Last evaluated: 2024-04-05. Review status: criteria provided, single submitter. Criteria: GeneDx Variant Classification Process June 2021. Collection method: clinical testing. Allele origin: germline. Affected: yes.
Comment: In silico analysis indicates that this missense variant does not alter protein structure/function; Has not been previously published as pathogenic or benign to our knowledge

NM_198253.3(TERT):c.2354C>G (p.Pro785Arg)

Gene: TERT (telomerase reverse transcriptase; minus strand). Cytogenetic location: 5p15.33.
Variant type: single nucleotide variant.
Coding change: c.2354C>G on transcript NM_198253.3 (MANE Select); coding-DNA position 2354, C replaced by G.
Protein change: p.Pro785Arg; replaces proline 785 with arginine.
Molecular consequence: missense variant.
Genome position (GRCh38, 1-based): chr5:1,272,213, G>C on the plus strand (C>G on the coding strand, the complement: TERT is on the minus strand). VCF-style: chr5-1272213-G-C. GRCh37 (hg19) VCF-style: chr5-1272328-G-C.
Other names: c.2354C>G, p.Pro785Arg (NM_001193376.3); short protein forms P785R.
Identifiers: ClinVar variation 581831 (VCV000581831.12), dbSNP rs483352771, ClinGen allele CA3184559.
Genomic context (GRCh38, chr5:1,272,213, plus strand): 5'-CCGTGCCCAACCCTGCAGGGCAGTGCCCAGACCTGCTCGATGACGACGGCATCCCTCAGC[G>C]GGCTGGTCTCCTGCAGGTGAGCCACGAACTGTCGCATGTACGGCTGGAGGTCTGTCAAGG-3'
Protein context (NP_937983.2, residues 775-795): QFVAHLQETS[Pro785Arg]LRDAVVIEQS